The following is an entry in ClinVar:

NM_000138.5(FBN1):c.1858C>T (p.Pro620Ser)

Gene: FBN1 (fibrillin 1; minus strand). Cytogenetic location: 15q21.1.
Variant type: single nucleotide variant.
Coding change: c.1858C>T on transcript NM_000138.5 (MANE Select); coding-DNA position 1858, C replaced by T.
Protein change: p.Pro620Ser; replaces proline 620 with serine.
Molecular consequence: missense variant.
Genome position (GRCh38, 1-based): chr15:48,505,127, G>A on the plus strand (C>T on the coding strand, the complement: FBN1 is on the minus strand). VCF-style: chr15-48505127-G-A. GRCh37 (hg19) VCF-style: chr15-48797324-G-A.
Other names: short protein forms P620S.
Identifiers: ClinVar variation 924443 (VCV000924443.13), dbSNP rs1220853793, ClinGen allele CA392339168.

ClinVar aggregate classification (germline): Conflicting classifications of pathogenicity. Review status: criteria provided, conflicting classifications (1 of 4 stars). 2 submissions from 2 submitters: Uncertain significance (1); Likely benign (1). Last evaluated 2025-11-10.

Conditions:
Familial thoracic aortic aneurysm and aortic dissection (TAAD). Also called: Thoracic aortic aneurysms and dissections. Identifiers: Orphanet 91387, MedGen C4707243, MONDO:0019625.
Marfan syndrome (MFS). Also called: Marfan syndrome, classic; Marfan syndrome type 1; Marfan's syndrome; FBN1-Related Marfan Syndrome; MARFAN SYNDROME, TYPE I. Identifiers: Orphanet 284963, Orphanet 558, MedGen C0024796, MONDO:0007947, OMIM 154700.

Allele frequency attached by ClinVar (database versions not stated): gnomAD exomes 0.00001; gnomAD 0.00001; TOPMed 0.00001.
gnomAD v4.1: 3 of 1,613,954 alleles (0.00019%); highest among the groups gnomAD compares: East Asian, 0.0067%; no homozygotes.

Submissions (2):

Color Diagnostics, LLC DBA Color Health
Classification: Uncertain significance for Familial thoracic aortic aneurysm and aortic dissection. Last evaluated: 2025-11-10. Review status: criteria provided, single submitter. Criteria: ACMG Guidelines, 2015. Collection method: clinical testing. Allele origin: germline.
Comment: This missense variant replaces proline with serine at codon 620 of the FBN1 protein. Computational prediction suggests that this variant may not impact protein structure and function. To our knowledge, functional studies have not been reported for this variant. This variant has been reported in two individuals affected with intracranial artery dissection, as well as in their healthy immediate family members (PMID: 35339882). This variant has been identified in 3/1613954 chromosomes in the general population by the Genome Aggregation Database (gnomAD). The available evidence is insufficient to determine the role of this variant in disease conclusively. Therefore, this variant is classified as a Variant of Uncertain Significance.

Labcorp Genetics (formerly Invitae), Labcorp
Classification: Likely benign for Marfan syndrome; Familial thoracic aortic aneurysm and aortic dissection. Last evaluated: 2023-08-10. Review status: criteria provided, single submitter. Criteria: Invitae Variant Classification Sherloc (09022015). Collection method: clinical testing. Allele origin: germline.

Literature cited by the submitters: PubMed 35339882 (cited by Color Diagnostics, LLC DBA Color Health).